The following is an entry in ClinVar:

NM_201384.3(PLEC):c.13385G>A (p.Arg4462Gln)

Gene: PLEC (plectin; minus strand). Cytogenetic location: 8q24.3.
Variant type: single nucleotide variant.
Coding change: c.13385G>A on transcript NM_201384.3 (MANE Select); coding-DNA position 13385, G replaced by A.
Protein change: p.Arg4462Gln; replaces arginine 4462 with glutamine.
Molecular consequence: missense variant.
Genome position (GRCh38, 1-based): chr8:143,916,436, C>T on the plus strand (G>A on the coding strand, the complement: PLEC is on the minus strand). VCF-style: chr8-143916436-C-T. GRCh37 (hg19) VCF-style: chr8-144990604-C-T.
Other names: c.13466G>A (NM_000445.3); c.13466G>A, p.Arg4489Gln (NM_000445.5); c.13343G>A, p.Arg4448Gln (NM_201378.4); c.13319G>A, p.Arg4440Gln (NM_201379.3); c.13796G>A, p.Arg4599Gln (NM_201380.4); c.13289G>A, p.Arg4430Gln (NM_201381.3); c.13385G>A, p.Arg4462Gln (NM_201382.4); c.13397G>A, p.Arg4466Gln (NM_201383.3); short protein forms R4440Q, R4462Q, R4489Q, R4448Q, R4430Q, R4466Q, R4599Q.
Identifiers: ClinVar variation 846699 (VCV000846699.9), dbSNP rs782440209, ClinGen allele CA4923821.
Genomic context (GRCh38, chr8:143,916,436, plus strand): 5'-CCGCTGACGCTGTAGGGGCTGTAGTAGCCCTTGGTGGACTGCGCGGCAGCCTCCAGCAGC[C>T]GCAGCCCCGTGCCCTCCTCCACCATGCTGCGGTCCAGCGCGTCCTTATAGGAGATCTTGA-3'
Protein context (NP_958786.1, residues 4452-4472): RSMVEEGTGL[Arg4462Gln]LLEAAAQSTK

ClinVar aggregate classification (germline): Uncertain significance. Review status: criteria provided, multiple submitters, no conflicts (2 of 4 stars). 2 submissions from 2 submitters: Uncertain significance (2). Last evaluated 2025-08-30.

Conditions:
Inborn genetic diseases. Identifiers: MedGen C0950123, MeSH D030342.
Epidermolysis bullosa simplex 5C, with pyloric atresia (EBS5C). Also called: PLEC1-Related Epidermolysis Bullosa with Pyloric Atresia; Epidermolysis bullosa simplex with pyloric atresia; PLEC-Related Epidermolysis Bullosa with Pyloric Atresia. Identifiers: Orphanet 158684, MedGen C2677349, MONDO:0012807, OMIM 612138.
Autosomal recessive limb-girdle muscular dystrophy type 2Q (LGMDR17). Also called: MUSCULAR DYSTROPHY, LIMB-GIRDLE, AUTOSOMAL RECESSIVE 17. Identifiers: Orphanet 254361, MedGen C3150989, MONDO:0013390, OMIM 613723.
Epidermolysis bullosa simplex with nail dystrophy (EBS5D). Identifiers: MedGen C4225309, MONDO:0014661, OMIM 616487.
Epidermolysis bullosa simplex 5B, with muscular dystrophy (EBS5B). Also called: Epidermolysis bullosa simplex with muscular dystrophy; EPIDERMOLYSIS BULLOSA SIMPLEX AND LIMB-GIRDLE MUSCULAR DYSTROPHY. Identifiers: Orphanet 257, MedGen C2931072, MONDO:0009181, OMIM 226670.
Epidermolysis bullosa simplex, Ogna type (EBS5A). Also called: EPIDERMOLYSIS BULLOSA SIMPLEX 5A, OGNA TYPE; Pidermolysis bullosa simplex 5A, Ogna type. Identifiers: Orphanet 79401, MedGen C0432317, MONDO:0007555, OMIM 131950.

Allele frequency attached by ClinVar (database versions not stated): gnomAD 0.00001.
gnomAD v4.1: 18 of 1,611,672 alleles (0.0011%); highest among the groups gnomAD compares: South Asian, 0.0088%; no homozygotes.

Submissions (2):

Ambry Genetics
Classification: Uncertain significance for Inborn genetic diseases. Last evaluated: 2025-08-30. Review status: criteria provided, single submitter. Criteria: Ambry Variant Classification Scheme 2023. Collection method: clinical testing. Allele origin: germline.

Labcorp Genetics (formerly Invitae), Labcorp
Classification: Uncertain significance for Autosomal recessive limb-girdle muscular dystrophy type 2Q; Epidermolysis bullosa simplex, Ogna type; Epidermolysis bullosa simplex with nail dystrophy; Epidermolysis bullosa simplex 5C, with pyloric atresia; Epidermolysis bullosa simplex 5B, with muscular dystrophy. Last evaluated: 2024-12-30. Review status: criteria provided, single submitter. Criteria: Invitae Variant Classification Sherloc (09022015). Collection method: clinical testing. Allele origin: germline.
Comment: This sequence change replaces arginine, which is basic and polar, with glutamine, which is neutral and polar, at codon 4489 of the PLEC protein (p.Arg4489Gln). The frequency data for this variant in the population databases is considered unreliable, as metrics indicate poor data quality at this position in the gnomAD database. This missense change has been observed in individual(s) with clinical features of limb-girdle muscular dystrophy (internal data). In at least one individual the data is consistent with being in trans (on the opposite chromosome) from a pathogenic variant. ClinVar contains an entry for this variant (Variation ID: 846699). Invitae Evidence Modeling of protein sequence and biophysical properties (such as structural, functional, and spatial information, amino acid conservation, physicochemical variation, residue mobility, and thermodynamic stability) indicates that this missense variant is not expected to disrupt PLEC protein function with a negative predictive value of 80%. In summary, the available evidence is currently insufficient to determine the role of this variant in disease. Therefore, it has been classified as a Variant of Uncertain Significance.